The following is an entry in ClinVar:

ClinVar aggregate classification (germline): Conflicting classifications of pathogenicity. Review status: criteria provided, conflicting classifications (1 of 4 stars). 10 submissions from 10 submitters: Uncertain significance (6); Benign (1); Likely benign (2). 1 of the submissions does not count toward it. Last evaluated 2026-01-19.

Conditions:
PALB2-related disorder. Also called: PALB2-related disorders; PALB2-related condition.
Hereditary cancer-predisposing syndrome. Also called: Tumor predisposition; Hereditary neoplastic syndrome; Neoplastic Syndromes, Hereditary; Hereditary Cancer Syndrome. Identifiers: Orphanet 140162, MedGen C0027672, MeSH D009386, MONDO:0015356.
Familial cancer of breast. Also called: BREAST CANCER, FAMILIAL; Hereditary breast cancer; hereditary breast carcinoma. Identifiers: Orphanet 227535, MedGen C0346153, MONDO:0016419, OMIM 114480. Disease mechanism: loss of function.
Fanconi anemia complementation group N. Also called: PALB2-Related Fanconi Anemia. Identifiers: Orphanet 84, MedGen C1835817, MONDO:0012565, OMIM 610832. Disease mechanism: loss of function.
Pancreatic cancer, susceptibility to, 3. Identifiers: Orphanet 1333, MedGen C3150547, MONDO:0013236, OMIM 613348.

Allele frequency attached by ClinVar (database versions not stated): ExAC 0.00002; gnomAD exomes 0.00002; gnomAD 0.00004 and 0.00005; TOPMed 0.00005; ESP Exome Variant Server 0.00008.
gnomAD v4.1: 44 of 1,614,022 alleles (0.0027%); highest among the groups gnomAD compares: Non-Finnish European, 0.0036%; no homozygotes.

Submissions (10):

Labcorp Genetics (formerly Invitae), Labcorp
Classification: Uncertain significance for Familial cancer of breast. Last evaluated: 2026-01-19. Review status: criteria provided, single submitter. Criteria: Invitae Variant Classification Sherloc (09022015). Collection method: clinical testing. Allele origin: germline.
Comment: This sequence change replaces valine, which is neutral and non-polar, with alanine, which is neutral and non-polar, at codon 546 of the PALB2 protein (p.Val546Ala). This variant is present in population databases (rs148647206, gnomAD 0.004%). This missense change has been observed in individual(s) with colorectal cancer and/or ovarian cancer (PMID: 28135145, 32546565, 34326862). ClinVar contains an entry for this variant (Variation ID: 136129). Invitae Evidence Modeling of protein sequence and biophysical properties (such as structural, functional, and spatial information, amino acid conservation, physicochemical variation, residue mobility, and thermodynamic stability) indicates that this missense variant is not expected to disrupt PALB2 protein function with a negative predictive value of 80%. In summary, the available evidence is currently insufficient to determine the role of this variant in disease. Therefore, it has been classified as a Variant of Uncertain Significance.

Color Diagnostics, LLC DBA Color Health
Classification: Likely benign for Hereditary cancer-predisposing syndrome. Last evaluated: 2025-11-24. Review status: criteria provided, single submitter. Criteria: ACMG Guidelines, 2015. Collection method: clinical testing. Allele origin: germline.

Women's Health and Genetics/Laboratory Corporation of America, LabCorp
Classification: Uncertain significance. Last evaluated: 2025-08-06. Review status: criteria provided, single submitter. Criteria: LabCorp Variant Classification Summary - May 2015. Collection method: clinical testing. Allele origin: germline.
Comment: Variant summary: PALB2 c.1637T>C (p.Val546Ala) results in a non-conservative amino acid change in the encoded protein sequence. Algorithms developed to predict the effect of missense changes on protein structure and function are either unavailable or do not agree on the potential impact of this missense change. The variant allele was found at a frequency of 2e-05 in 251422 control chromosomes. The available data on variant occurrences in the general population are insufficient to allow any conclusion about variant significance. c.1637T>C has been observed in individual(s) affected with Hereditary Breast And Ovarian Cancer Syndrome and Colorectal Cancer (Bhai_2021, Yurgelun_2017, Song_2020). These report(s) do not provide unequivocal conclusions about association of the variant with Hereditary Breast And Ovarian Cancer Syndrome. To our knowledge, no experimental evidence demonstrating an impact on protein function has been reported. The following publications have been ascertained in the context of this evaluation (PMID: 34326862, 28135145, 32546565). ClinVar contains an entry for this variant (Variation ID: 136129). Based on the evidence outlined above, the variant was classified as uncertain significance.

Quest Diagnostics Nichols Institute San Juan Capistrano
Classification: Uncertain significance. Last evaluated: 2025-07-16. Review status: criteria provided, single submitter. Criteria: Quest Diagnostics criteria. Collection method: clinical testing. Allele origin: unknown.
Comment: The PALB2 c.1637T>C (p.Val546Ala) variant has been reported in the published literature in in individuals affected with colorectal cancer/polyps (PMID: 28135145 (2017), 34326862 (2021)), breast cancer (PMID: 28779002 (2017)), ovarian cancer (PMID: 32546565 (2021)). This variant has also been observed in reportedly unaffected individual (PMID: 29641532 (2018)). The frequency of this variant in the general population (Genome Aggregation Database) is uninformative in the assessment of its pathogenicity. Analysis of this variant using bioinformatics tools for the prediction of the effect of amino acid changes on protein structure and function yielded predictions that this variant is benign. Based on the available information, we are unable to determine the clinical significance of this variant.

Ambry Genetics
Classification: Likely benign for Hereditary cancer-predisposing syndrome. Last evaluated: 2024-10-28. Review status: criteria provided, single submitter. Criteria: Ambry Variant Classification Scheme 2023. Collection method: clinical testing. Allele origin: germline.

GeneDx
Classification: Uncertain significance. Last evaluated: 2024-04-30. Review status: criteria provided, single submitter. Criteria: GeneDx Variant Classification Process June 2021. Collection method: clinical testing. Allele origin: germline. Affected: yes.
Comment: In silico analysis indicates that this missense variant does not alter protein structure/function; This variant is associated with the following publications: (PMID: 28779002, 28135145, 32546565, 29641532, 34326862)

Myriad Genetics, Inc.
Classification: Benign for Familial cancer of breast. Last evaluated: 2024-02-14. Review status: criteria provided, single submitter. Criteria: Myriad Autosomal Dominant, Autosomal Recessive and X-Linked Classification Criteria (2023). Collection method: clinical testing. Allele origin: unknown.
Comment: This variant is considered benign. This variant is strongly associated with less severe personal and family histories of cancer, typical for individuals without pathogenic variants in this gene [PMID: 25085752]. This variant has been observed in trans with a known pathogenic variant in one or more individuals lacking clinical features consistent with gene-specific recessive disease.

Sema4
Classification: Uncertain significance for Hereditary cancer-predisposing syndrome. Last evaluated: 2022-01-04. Review status: criteria provided, single submitter. Criteria: Sema4 Curation Guidelines. Collection method: curation. Allele origin: germline.
Comment: The PALB2 c.1637T>C (p.V564A) variant has been reported in heterozygosity in individuals with breast cancer, ovarian cancer, and colorectal cancer (PMID: 28779002, 32546565, 28135145). It was observed in 6/129142 chromosomes of the Non-Finnish European subpopulation in the large and broad cohorts of the Genome Aggregation Database (PMID: 32461654). The variant has been reported in ClinVar (Variation ID 136129). In silico tools suggest the impact of the variant on protein function is benign, though these predictions have not been confirmed by functional studies. The evidence is insufficient to meet ACMG/AMP criteria for classifying the variant as benign or pathogenic. Thus, the clinical significance of this variant is currently uncertain.

Fulgent Genetics
Classification: Uncertain significance for Familial cancer of breast; Fanconi anemia complementation group N; Pancreatic cancer, susceptibility to, 3. Last evaluated: 2021-11-11. Review status: criteria provided, single submitter. Criteria: ACMG Guidelines, 2015. Collection method: clinical testing. Allele origin: unknown.

PreventionGenetics, part of Exact Sciences
Classification: Uncertain significance for PALB2-related condition. Last evaluated: 2024-03-04. Review status: no assertion criteria provided. Collection method: clinical testing. Allele origin: germline. Not counted in ClinVar's aggregate classification.
Comment: The PALB2 c.1637T>C variant is predicted to result in the amino acid substitution p.Val546Ala. This variant has been reported in individuals with a history of colorectal, breast, and ovarian cancers (Table A4, Yurgelun et al. 2017. PubMed ID: 28135145; Table S5, Decker et al. 2017. PubMed ID: 28779002; Table S3, Pritchard et al. 2018. PubMed ID: 29641532; Table S6, Song et al. 2020. PubMed ID: 32546565; Table S4, Bhai et al. 2021. PubMed ID: 34326862). This variant is reported in 0.0046% of alleles in individuals of European (Non-Finnish) descent in gnomAD. In ClinVar, this variant is interpreted as uncertain by multiple laboratories. At this time, the clinical significance of this variant is uncertain due to the absence of conclusive functional and genetic evidence.

Literature cited by the submitters: PubMed 28135145 (cited by 5 submitters); PubMed 32546565 (cited by 5 submitters); PubMed 34326862 (cited by 3 submitters); PubMed 28779002 (cited by 3 submitters); PubMed 29641532 (cited by Quest Diagnostics Nichols Institute San Juan Capistrano and Ambry Genetics); PubMed 30638972 (cited by Quest Diagnostics Nichols Institute San Juan Capistrano); PubMed 25085752 (cited by Myriad Genetics, Inc.).

NM_024675.4(PALB2):c.1637T>C (p.Val546Ala)

Gene: PALB2 (partner and localizer of BRCA2; minus strand). Cytogenetic location: 16p12.2.
Variant type: single nucleotide variant.
Coding change: c.1637T>C on transcript NM_024675.4 (MANE Select); coding-DNA position 1637, T replaced by C.
Protein change: p.Val546Ala; replaces valine 546 with alanine.
Molecular consequence: missense variant.
Genome position (GRCh38, 1-based): chr16:23,634,909, A>G on the plus strand (T>C on the coding strand, the complement: PALB2 is on the minus strand). VCF-style: chr16-23634909-A-G. GRCh37 (hg19) VCF-style: chr16-23646230-A-G.
Other names: short protein forms V546A.
Identifiers: ClinVar variation 136129 (VCV000136129.26), dbSNP rs148647206, ClinGen allele CA332967.